The following is an entry in ClinVar:

NM_138694.4(PKHD1):c.8303-7908G>C

Gene: PKHD1 (PKHD1 ciliary IPT domain containing fibrocystin/polyductin; minus strand). Cytogenetic location: 6p12.3.
Variant type: single nucleotide variant.
Coding change: c.8303-7908G>C on transcript NM_138694.4 (MANE Select); 7908 bases into the intron before coding-DNA position 8303, G replaced by C.
Molecular consequence: intron variant.
Genome position (GRCh38, 1-based): chr6:51,799,281, C>G on the plus strand (G>C on the coding strand, the complement: PKHD1 is on the minus strand). VCF-style: chr6-51799281-C-G. GRCh37 (hg19) VCF-style: chr6-51664079-C-G.
Other names: c.8303-7908G>C (NM_170724.3).
Identifiers: ClinVar variation 4056736 (VCV004056736.1).
Genomic context (GRCh38, chr6:51,799,281, plus strand): 5'-AAAAGTATAGAATGAAGACAATAACAGAAACATTAGTCTTATTTCTTTTGGTGCCACACT[C>G]TTCACTTTGAAATTCCCTGGATTCATCTCTCCATTTTTTCTTCTTTCTTTCTTTCTTTCC-3'

ClinVar aggregate classification (germline): Uncertain significance (1 of 4 stars; one submission).

Conditions:
Polycystic kidney disease 4 (PKD4). Also called: POLYCYSTIC KIDNEY AND HEPATIC DISEASE 1; POLYCYSTIC KIDNEY DISEASE, INFANTILE, TYPE I; POLYCYSTIC KIDNEY DISEASE 4 WITH OR WITHOUT POLYCYSTIC LIVER DISEASE; PKD3; Autosomal Recessive Polycystic Kidney Disease – PKHD1. Identifiers: MedGen C4540575, MONDO:0033004, OMIM 263200.

Submission:

Laboratorio de Genetica e Diagnostico Molecular, Hospital Israelita Albert Einstein
Classification: Uncertain significance for Polycystic kidney disease 4. Last evaluated: 2023-09-21. Review status: criteria provided, single submitter. Criteria: ACMG Guidelines, 2015. Collection method: clinical testing. Allele origin: germline. Affected: yes.
Comment: ACMG classification criteria: PM2 moderate